The following is an entry in ClinVar:

NM_022124.6(CDH23):c.1411G>A (p.Glu471Lys)

Gene: CDH23 (cadherin related 23; plus strand). Cytogenetic location: 10q22.1.
Variant type: single nucleotide variant.
Coding change: c.1411G>A on transcript NM_022124.6 (MANE Select); coding-DNA position 1411, G replaced by A.
Protein change: p.Glu471Lys; replaces glutamic acid 471 with lysine.
Molecular consequence: missense variant.
Genome position (GRCh38, 1-based): chr10:71,646,579, G>A. VCF-style: chr10-71646579-G-A. GRCh37 (hg19) VCF-style: chr10-73406336-G-A.
Other names: c.1411G>A, p.Glu471Lys (NM_001171930.2, NM_001171931.2, NM_052836.4); short protein forms E471K.
Identifiers: ClinVar variation 667208 (VCV000667208.15), dbSNP rs778511495, ClinGen allele CA5543794.

ClinVar aggregate classification (germline): Uncertain significance. Review status: criteria provided, multiple submitters, no conflicts (2 of 4 stars). 6 submissions from 6 submitters: Uncertain significance (6). Last evaluated 2026-10-14.

Conditions:
CDH23-related disorder. Also called: CDH23-related disorders; CDH23-related condition.
Inborn genetic diseases. Identifiers: MedGen C0950123, MeSH D030342.

Allele frequency attached by ClinVar (database versions not stated): gnomAD 0.00001; TOPMed 0.00001; gnomAD exomes 0.00002 and 0.00001; ExAC 0.00002.
gnomAD v4.1: 8 of 1,613,890 alleles (0.0005%); highest among the groups gnomAD compares: Admixed American, 0.005%; no homozygotes.

Submissions (6):

GeneDx
Classification: Uncertain significance. Last evaluated: 2026-10-14. Review status: criteria provided, single submitter. Criteria: GeneDx Variant Classification Process June 2021. Collection method: clinical testing. Allele origin: germline.
Comment: Identified in patients with an inherited retinal disease in published literature (PMID: 38219857, 39017633); Not observed at significant frequency in large population cohorts (gnomAD); In silico analysis supports that this missense variant has a deleterious effect on protein structure/function; This variant is associated with the following publications: (PMID: 38219857, 39017633)

3billion
Classification: Uncertain significance for CDH23-related disorder. Last evaluated: 2025-12-21. Review status: criteria provided, single submitter. Criteria: ACMG Guidelines, 2015. Collection method: clinical testing. Allele origin: germline. Affected: yes.
Comment: The variant is observed at an extremely low frequency in the gnomAD v4.1.0 dataset (total allele frequency: <0.001%). Predicted Consequence/Location: Missense variant In silico tool predictions suggest damaging effect of the variant on gene or gene product [REVEL: 0.81 (>=0.6, sensitivity 0.68 and specificity 0.92)]. The variant has been reported as of uncertain significance (ClinVar ID: VCV000667208; PMID: 38219857; 3billion dataset). Therefore, this variant is classified as VUS according to the recommendation of ACMG/AMP guideline.

Labcorp Genetics (formerly Invitae), Labcorp
Classification: Uncertain significance. Last evaluated: 2025-11-18. Review status: criteria provided, single submitter. Criteria: Invitae Variant Classification Sherloc (09022015). Collection method: clinical testing. Allele origin: germline.
Comment: This sequence change replaces glutamic acid, which is acidic and polar, with lysine, which is basic and polar, at codon 471 of the CDH23 protein (p.Glu471Lys). This variant is present in population databases (rs778511495, gnomAD 0.006%). This missense change has been observed in individual(s) with autosomal recessive deafness and/or Usher syndrome (PMID: 38219857, 39017633; internal data). ClinVar contains an entry for this variant (Variation ID: 667208). Invitae Evidence Modeling of protein sequence and biophysical properties (such as structural, functional, and spatial information, amino acid conservation, physicochemical variation, residue mobility, and thermodynamic stability) has been performed for this missense variant. However, the output from this modeling did not meet the statistical confidence thresholds required to predict the impact of this variant on CDH23 protein function. In summary, the available evidence is currently insufficient to determine the role of this variant in disease. Therefore, it has been classified as a Variant of Uncertain Significance.

Ambry Genetics
Classification: Uncertain significance for Inborn genetic diseases. Last evaluated: 2025-11-14. Review status: criteria provided, single submitter. Criteria: Ambry Variant Classification Scheme 2023. Collection method: clinical testing. Allele origin: germline.
Comment: The c.1411G>A (p.E471K) alteration is located in exon 14 (coding exon 13) of the CDH23 gene. This alteration results from a G to A substitution at nucleotide position 1411, causing the glutamic acid (E) at amino acid position 471 to be replaced by a lysine (K). Based on data from gnomAD, the A allele has an overall frequency of 0.002% (4/249306) total alleles studied. The highest observed frequency was 0.006% (1/17976) of East Asian alleles. This variant has been identified in conjunction with other CDH23 variant(s) in individual(s) with features consistent with CDH23-related nonsyndromic deafness/Usher Syndrome Type 1 (de Guimaraes, 2024; Lin, 2024). This amino acid position is highly conserved in available vertebrate species. This alteration is predicted to be deleterious by in silico analysis. Based on insufficient or conflicting evidence, the clinical significance of this alteration remains unclear.

Blueprint Genetics
Classification: Uncertain significance. Last evaluated: 2023-09-08. Review status: criteria provided, single submitter. Criteria: ACMG Guidelines, 2015. Collection method: clinical testing. Allele origin: germline.

Laboratory for Molecular Medicine, Mass General Brigham Personalized Medicine
Classification: Uncertain significance. Last evaluated: 2018-04-11. Review status: criteria provided, single submitter. Criteria: LMM Criteria. Collection method: clinical testing. Allele origin: germline. Observed: 2 variant alleles.
Comment: The variant was also identified in 5/246240 g eneral population chromosomes by the Genome Aggregation Database (gnomAD; dbSNP rs778511495). Although this variant has been s een in the general population, its frequency is not high enough to rule out a pa thogenic role. Computational prediction tools and conservation analyses suggest that this variant may impact the protein, though this information is not predict ive enough to determine pathogenicity. In summary, the clinical significance of the p.Glu471Lys variant is uncertain. ACMG/AMP Criteria applied: PM2, PP3.

Literature cited by the submitters: PubMed 38219857 (cited by Labcorp Genetics (formerly Invitae), Labcorp and Ambry Genetics); PubMed 39017633 (cited by Labcorp Genetics (formerly Invitae), Labcorp and Ambry Genetics).